The following is an entry in ClinVar:

ClinVar aggregate classification (germline): Uncertain significance (1 of 4 stars; one submission).

Conditions:
Wiedemann-Steiner syndrome (WDSTS). Also called: Growth deficiency and mental retardation with facial dysmorphism. Identifiers: Orphanet 319182, MedGen C1854630, MONDO:0011518, OMIM 605130.

Submission:

MVZ Medizinische Genetik Mainz
Classification: Uncertain significance for Wiedemann-Steiner syndrome. Last evaluated: 2025-08-04. Review status: criteria provided, single submitter. Criteria: UK Practice Guidelines For Variant Classification V4 01 2020. Collection method: clinical testing. Allele origin: germline. Inheritance: Autosomal dominant inheritance. Affected: yes. Observed: 1 variant allele.
Comment: ACMG Criteria: PM2_SUP,PP2

NM_001197104.2(KMT2A):c.11311G>T (p.Val3771Phe)

Genes: KMT2A (lysine methyltransferase 2A; plus strand), TTC36-AS1 (TTC36 and KMT2A antisense RNA 1; minus strand). Cytogenetic location: 11q23.3.
Variant type: single nucleotide variant.
Coding change: c.11311G>T on transcript NM_001197104.2 (MANE Select); coding-DNA position 11311, G replaced by T.
Protein change: p.Val3771Phe; replaces valine 3771 with phenylalanine.
Molecular consequence: missense variant.
Genome position (GRCh38, 1-based): chr11:118,519,782, G>T. VCF-style: chr11-118519782-G-T. GRCh37 (hg19) VCF-style: chr11-118390497-G-T.
Other names: c.11401G>T, p.Val3801Phe (NM_001412597.1); c.11302G>T, p.Val3768Phe (NM_005933.4); short protein forms V3768F, V3771F, V3801F.
Identifiers: ClinVar variation 4077079 (VCV004077079.1).